The following is an entry in ClinVar:

ClinVar aggregate classification (germline): Conflicting classifications of pathogenicity. Review status: criteria provided, conflicting classifications (1 of 4 stars). 2 submissions from 2 submitters: Likely pathogenic (1); Uncertain significance (1). Last evaluated 2024-02-23.

Conditions:
GUCY2D-related disorders.
Cone-rod dystrophy 6 (CORD6). Also called: RETINAL CONE DYSTROPHY 2; Cone dystrophy progressive. Identifiers: Orphanet 1872, MedGen C1866293, MONDO:0011143, OMIM 601777.
Leber congenital amaurosis 1 (LCA1). Also called: Congenital absence of the rods and cones; Leber's congenital tapetoretinal degeneration; Leber's congenital tapetoretinal dysplasia; RETINAL BLINDNESS, CONGENITAL; AMAUROSIS CONGENITA OF LEBER I. Identifiers: Orphanet 65, MedGen C2931258, MONDO:0008764, OMIM 204000.

Allele frequency attached by ClinVar (database versions not stated): gnomAD 0.00002.

Submissions (2):

Labcorp Genetics (formerly Invitae), Labcorp
Classification: Uncertain significance for Leber congenital amaurosis 1; Cone-rod dystrophy 6. Last evaluated: 2024-02-23. Review status: criteria provided, single submitter. Criteria: Invitae Variant Classification Sherloc (09022015). Collection method: clinical testing. Allele origin: germline.
Comment: This sequence change replaces proline, which is neutral and non-polar, with glutamine, which is neutral and polar, at codon 73 of the GUCY2D protein (p.Pro73Gln). The frequency data for this variant in the population databases is considered unreliable, as metrics indicate poor data quality at this position in the gnomAD database. This variant has not been reported in the literature in individuals affected with GUCY2D-related conditions. ClinVar contains an entry for this variant (Variation ID: 1423267). Advanced modeling of protein sequence and biophysical properties (such as structural, functional, and spatial information, amino acid conservation, physicochemical variation, residue mobility, and thermodynamic stability) has been performed at Invitae for this missense variant, however the output from this modeling did not meet the statistical confidence thresholds required to predict the impact of this variant on GUCY2D protein function. In summary, the available evidence is currently insufficient to determine the role of this variant in disease. Therefore, it has been classified as a Variant of Uncertain Significance.

Blueprint Genetics
Classification: Likely pathogenic for GUCY2D-related disorders. Last evaluated: 2022-01-12. Review status: criteria provided, single submitter. Criteria: ACMG Guidelines, 2015. Collection method: clinical testing. Allele origin: germline. Affected: yes. Observed: 5 variant alleles.

NM_000180.4(GUCY2D):c.218C>A (p.Pro73Gln)

Gene: GUCY2D (guanylate cyclase 2D, retinal; plus strand). Cytogenetic location: 17p13.1.
Variant type: single nucleotide variant.
Coding change: c.218C>A on transcript NM_000180.4 (MANE Select); coding-DNA position 218, C replaced by A.
Protein change: p.Pro73Gln; replaces proline 73 with glutamine.
Molecular consequence: missense variant.
Genome position (GRCh38, 1-based): chr17:8,003,265, C>A. VCF-style: chr17-8003265-C-A. GRCh37 (hg19) VCF-style: chr17-7906583-C-A.
Other names: short protein forms P73Q.
Identifiers: ClinVar variation 1423267 (VCV001423267.6), dbSNP rs750153057, ClinGen allele CA8365483.
Genomic context (GRCh38, chr17:8,003,265, plus strand): 5'-TGTTCACGGTGGGGGTCCTGGGCCCCTGGGCTTGCGACCCCATCTTCTCTCGGGCTCGCC[C>A]GGACCTGGCCGCCCGCCTGGCCGCCGCCCGCCTGAACCGCGACCCCGGCCTGGCAGGCGG-3'
Protein context (NP_000171.1, residues 63-83): ACDPIFSRAR[Pro73Gln]DLAARLAAAR